The following is an entry in ClinVar:

NM_001211.6(BUB1B):c.2044T>C (p.Ser682Pro)

Gene: BUB1B (BUB1 mitotic checkpoint serine/threonine kinase B; plus strand). Cytogenetic location: 15q15.1.
Variant type: single nucleotide variant.
Coding change: c.2044T>C on transcript NM_001211.6 (MANE Select); coding-DNA position 2044, T replaced by C.
Protein change: p.Ser682Pro; replaces serine 682 with proline.
Molecular consequence: missense variant.
Genome position (GRCh38, 1-based): chr15:40,208,671, T>C. VCF-style: chr15-40208671-T-C. GRCh37 (hg19) VCF-style: chr15-40500872-T-C.
Other names: short protein forms S682P.
Identifiers: ClinVar variation 4216951 (VCV004216951.1).
Genomic context (GRCh38, chr15:40,208,671, plus strand): 5'-AATTAACTTATTTTTGATTCTTTTAGCCCAATTATTGAAGACAGTCGTGAAGCCACACAC[T>C]CCTCTGGCTTCTCTGGTTCTTCTGCCTCGGTTGCAAGCACCTCCTCCATCAAATGTCTTC-3'
Protein context (NP_001202.5, residues 672-692): IIEDSREATH[Ser682Pro]SGFSGSSASV

ClinVar aggregate classification (germline): Uncertain significance (1 of 4 stars; one submission).

Conditions:
Inborn genetic diseases. Identifiers: MedGen C0950123, MeSH D030342.

Submission:

Ambry Genetics
Classification: Uncertain significance for Inborn genetic diseases. Last evaluated: 2025-07-28. Review status: criteria provided, single submitter. Criteria: Ambry Variant Classification Scheme 2023. Collection method: clinical testing. Allele origin: germline.
Comment: The p.S682P variant (also known as c.2044T>C), located in coding exon 16 of the BUB1B gene, results from a T to C substitution at nucleotide position 2044. The serine at codon 682 is replaced by proline, an amino acid with similar properties. This amino acid position is conserved. In addition, this alteration is predicted to be tolerated by in silico analysis. Based on the available evidence, the clinical significance of this variant remains unclear.